The following is an entry in ClinVar:

ClinVar aggregate classification (germline): Uncertain significance. Review status: criteria provided, multiple submitters, no conflicts (2 of 4 stars). 2 submissions from 2 submitters: Uncertain significance (2). Last evaluated 2024-01-08.

Allele frequency attached by ClinVar (database versions not stated): TOPMed 0.00003; gnomAD exomes 0.00004; gnomAD 0.00005; 1000 Genomes Project 30x 0.00031.

Submissions (2):

Labcorp Genetics (formerly Invitae), Labcorp
Classification: Uncertain significance. Last evaluated: 2024-01-08. Review status: criteria provided, single submitter. Criteria: Invitae Variant Classification Sherloc (09022015). Collection method: clinical testing. Allele origin: germline.
Comment: This sequence change replaces glutamic acid, which is acidic and polar, with aspartic acid, which is acidic and polar, at codon 31 of the CFD protein (p.Glu31Asp). This variant is present in population databases (rs747489118, gnomAD 0.007%). This variant has not been reported in the literature in individuals affected with CFD-related conditions. ClinVar contains an entry for this variant (Variation ID: 2179709). An algorithm developed to predict the effect of missense changes on protein structure and function (PolyPhen-2) suggests that this variant¬†is likely to be tolerated. In summary, the available evidence is currently insufficient to determine the role of this variant in disease. Therefore, it has been classified as a Variant of Uncertain Significance.

Blueprint Genetics
Classification: Uncertain significance. Last evaluated: 2022-07-07. Review status: criteria provided, single submitter. Criteria: ACMG Guidelines, 2015. Collection method: clinical testing. Allele origin: germline.

NM_001928.4(CFD):c.93G>C (p.Glu31Asp)

Gene: CFD (complement factor D; plus strand). Cytogenetic location: 19p13.3.
Variant type: single nucleotide variant.
Coding change: c.93G>C on transcript NM_001928.4 (MANE Select); coding-DNA position 93, G replaced by C.
Protein change: p.Glu31Asp; replaces glutamic acid 31 with aspartic acid.
Molecular consequence: missense variant.
Genome position (GRCh38, 1-based): chr19:860,654, G>C. VCF-style: chr19-860654-G-C. GRCh37 (hg19) VCF-style: chr19-860654-G-C.
Other names: c.114G>C, p.Glu38Asp (NM_001317335.2); short protein forms E31D, E38D.
Identifiers: ClinVar variation 2179709 (VCV002179709.3), dbSNP rs747489118, ClinGen allele CA9026222.